The following is an entry in ClinVar:

ClinVar aggregate classification (germline): Uncertain significance (1 of 4 stars; one submission).

Conditions:
Inborn genetic diseases. Identifiers: MedGen C0950123, MeSH D030342.

Submission:

Ambry Genetics
Classification: Uncertain significance for Inborn genetic diseases. Last evaluated: 2024-10-11. Review status: criteria provided, single submitter. Criteria: Ambry Variant Classification Scheme 2023. Collection method: clinical testing. Allele origin: germline.
Comment: The p.D520E variant (also known as c.1560C>A), located in coding exon 9 of the PIK3CA gene, results from a C to A substitution at nucleotide position 1560. The aspartic acid at codon 520 is replaced by glutamic acid, an amino acid with highly similar properties. This amino acid position is conserved. In addition, this alteration is predicted to be tolerated by in silico analysis. Based on the available evidence, the clinical significance of this variant remains unclear.

NM_006218.4(PIK3CA):c.1560C>A (p.Asp520Glu)

Gene: PIK3CA (phosphatidylinositol-4,5-bisphosphate 3-kinase catalytic subunit alpha; plus strand). Cytogenetic location: 3q26.32.
Variant type: single nucleotide variant.
Coding change: c.1560C>A on transcript NM_006218.4 (MANE Select); coding-DNA position 1560, C replaced by A.
Protein change: p.Asp520Glu; replaces aspartic acid 520 with glutamic acid.
Molecular consequence: missense variant.
Genome position (GRCh38, 1-based): chr3:179,218,230, C>A. VCF-style: chr3-179218230-C-A. GRCh37 (hg19) VCF-style: chr3-178936018-C-A.
Other names: short protein forms D520E.
Identifiers: ClinVar variation 3418541 (VCV003418541.1).